The following is an entry in ClinVar:

NM_182925.5(FLT4):c.2554G>C (p.Gly852Arg)

Gene: FLT4 (fms related receptor tyrosine kinase 4; minus strand). Cytogenetic location: 5q35.3.
Variant type: single nucleotide variant.
Coding change: c.2554G>C on transcript NM_182925.5 (MANE Select); coding-DNA position 2554, G replaced by C.
Protein change: p.Gly852Arg; replaces glycine 852 with arginine.
Molecular consequence: missense variant.
Genome position (GRCh38, 1-based): chr5:180,619,758, C>G on the plus strand (G>C on the coding strand, the complement: FLT4 is on the minus strand). VCF-style: chr5-180619758-C-G. GRCh37 (hg19) VCF-style: chr5-180046758-C-G.
Other names: c.2554G>C, p.Gly852Arg (NM_001354989.2, NM_002020.5); short protein forms G852R.
Identifiers: ClinVar variation 4822500 (VCV004822500.5).

ClinVar aggregate classification (germline): Conflicting classifications of pathogenicity. Review status: criteria provided, conflicting classifications (1 of 4 stars). 2 submissions from 2 submitters: Pathogenic (1); Uncertain significance (1). Last evaluated 2026-03-01.

Conditions:
FLT4-related disorders.

Submissions (2):

CeGaT Center for Human Genetics Tuebingen
Classification: Uncertain significance. Last evaluated: 2026-03-01. Review status: criteria provided, single submitter. Criteria: CeGaT Center For Human Genetics Tuebingen Variant Classification Criteria Version 2. Collection method: clinical testing. Allele origin: germline. Affected: yes. Observed: 1 variant allele.
Comment: FLT4: PM2, PM5:Supporting, PP3, PS4:Supporting

Blueprint Genetics
Classification: Pathogenic for FLT4-related disorders. Last evaluated: 2022-07-20. Review status: criteria provided, single submitter. Criteria: ACMG Guidelines, 2015. Collection method: clinical testing. Allele origin: germline. Affected: yes. Observed: 1 variant allele.